The following is an entry in ClinVar:

ClinVar aggregate classification (germline): Uncertain significance. Review status: criteria provided, multiple submitters, no conflicts (2 of 4 stars). 2 submissions from 2 submitters: Uncertain significance (2). Last evaluated 2024-10-22.

Conditions:
Inborn genetic diseases. Identifiers: MedGen C0950123, MeSH D030342.

gnomAD v4.1: 2 of 1,613,924 alleles (0.00012%); highest among the groups gnomAD compares: Admixed American, 0.0033%; no homozygotes.

Submissions (2):

Ambry Genetics
Classification: Uncertain significance for Inborn genetic diseases. Last evaluated: 2024-10-22. Review status: criteria provided, single submitter. Criteria: Ambry Variant Classification Scheme 2023. Collection method: clinical testing. Allele origin: germline.

GeneDx
Classification: Uncertain significance. Last evaluated: 2024-10-16. Review status: criteria provided, single submitter. Criteria: GeneDx Variant Classification Process June 2021. Collection method: clinical testing. Allele origin: germline. Affected: yes.
Comment: In silico analysis supports that this missense variant has a deleterious effect on protein structure/function; Has not been previously published as pathogenic or benign to our knowledge

NM_005529.7(HSPG2):c.7916C>A (p.Pro2639His)

Gene: HSPG2 (heparan sulfate proteoglycan 2; minus strand). Cytogenetic location: 1p36.12.
Variant type: single nucleotide variant.
Coding change: c.7916C>A on transcript NM_005529.7 (MANE Select); coding-DNA position 7916, C replaced by A.
Protein change: p.Pro2639His; replaces proline 2639 with histidine.
Molecular consequence: missense variant.
Genome position (GRCh38, 1-based): chr1:21,847,798, G>T on the plus strand (C>A on the coding strand, the complement: HSPG2 is on the minus strand). VCF-style: chr1-21847798-G-T. GRCh37 (hg19) VCF-style: chr1-22174291-G-T.
Other names: c.7919C>A, p.Pro2640His (NM_001291860.2); short protein forms P2639H, P2640H.
Identifiers: ClinVar variation 3527033 (VCV003527033.2).